The following is an entry in ClinVar:

NM_001458.5(FLNC):c.7925del (p.Gly2642fs)

Genes: FLNC (filamin C; plus strand), FLNC-AS1 (FLNC antisense RNA 1; minus strand). Cytogenetic location: 7q32.1.
Variant type: Deletion.
Coding change: c.7925del on transcript NM_001458.5 (MANE Select); coding-DNA position 7925, one base deleted (G; older notation c.7925delG).
Protein change: p.Gly2642fs; shifts the reading frame from glycine 2642.
Molecular consequence: frameshift variant.
Genome position (GRCh38, 1-based): chr7:128,858,152, G deleted; the last of 4 consecutive G bases (chr7:128,858,149-128,858,152); deleting any one gives the same sequence. VCF-style (leftmost placement, unchanged base first): chr7-128858148-CG-C. GRCh37 (hg19) VCF-style: chr7-128498202-CG-C.
Other names: c.7826del, p.Gly2609fs (NM_001127487.2); c.7925delG, p.Gly2642Alafs (NM_001458.4); short protein forms G2609fs, G2642fs.
Identifiers: ClinVar variation 2441651 (VCV002441651.3), dbSNP rs1809149761, ClinGen allele CA1107056271.

ClinVar aggregate classification (germline): Pathogenic/Likely pathogenic. Review status: criteria provided, multiple submitters, no conflicts (2 of 4 stars). 4 submissions from 2 submitters: Pathogenic (1); Likely pathogenic (3). Last evaluated 2025-10-20.

Conditions:
Hypertrophic cardiomyopathy 26. Also called: Cardiomyopathy, familial hypertrophic, 26. Identifiers: Orphanet 75249, MedGen C4310749, MONDO:0014883, OMIM 617047.
Myofibrillar myopathy 5. Also called: Filaminopathy (type); FILAMINOPATHY, AUTOSOMAL DOMINANT. Identifiers: Orphanet 171445, MedGen C1836050, MONDO:0012289, OMIM 609524.
Distal myopathy with posterior leg and anterior hand involvement. Also called: WILLIAMS DISTAL MYOPATHY. Identifiers: Orphanet 63273, MedGen C3279722, MONDO:0013550, OMIM 614065.

Submissions (4):

Labcorp Genetics (formerly Invitae), Labcorp
Classification: Pathogenic for Distal myopathy with posterior leg and anterior hand involvement; Myofibrillar myopathy 5; Hypertrophic cardiomyopathy 26. Last evaluated: 2025-10-20. Review status: criteria provided, single submitter. Criteria: Invitae Variant Classification Sherloc (09022015). Collection method: clinical testing. Allele origin: germline.
Comment: This sequence change creates a premature translational stop signal (p.Gly2642Alafs*26) in the FLNC gene. While this is not anticipated to result in nonsense mediated decay, it is expected to disrupt the last 84 amino acid(s) of the FLNC protein. This variant is not present in population databases (gnomAD no frequency). This variant has not been reported in the literature in individuals affected with FLNC-related conditions. ClinVar contains an entry for this variant (Variation ID: 2441651). This variant disrupts a region of the FLNC protein in which other variant(s) (p.Trp2710*) have been determined to be pathogenic (PMID: 15929027, 22961544, 26472074, 26969713). This suggests that this is a clinically significant region of the protein, and that variants that disrupt it are likely to be disease-causing. For these reasons, this variant has been classified as Pathogenic.

Baylor Genetics
Classification: Likely pathogenic for Hypertrophic cardiomyopathy 26. Last evaluated: 2022-06-27. Review status: criteria provided, single submitter. Criteria: ACMG Guidelines, 2015. Collection method: clinical testing. Allele origin: unknown.

Baylor Genetics
Classification: Likely pathogenic for Myofibrillar myopathy 5. Last evaluated: 2022-06-27. Review status: criteria provided, single submitter. Criteria: ACMG Guidelines, 2015. Collection method: clinical testing. Allele origin: unknown.

Baylor Genetics
Classification: Likely pathogenic for Distal myopathy with posterior leg and anterior hand involvement. Last evaluated: 2022-06-27. Review status: criteria provided, single submitter. Criteria: ACMG Guidelines, 2015. Collection method: clinical testing. Allele origin: unknown.

Literature cited by the submitters: PubMed 15929027 (cited by Labcorp Genetics (formerly Invitae), Labcorp); PubMed 22961544 (cited by Labcorp Genetics (formerly Invitae), Labcorp); PubMed 26472074 (cited by Labcorp Genetics (formerly Invitae), Labcorp); PubMed 26969713 (cited by Labcorp Genetics (formerly Invitae), Labcorp).